The following is an entry in ClinVar:

ClinVar aggregate classification (germline): Uncertain significance. Review status: criteria provided, multiple submitters, no conflicts (2 of 4 stars). 2 submissions from 2 submitters: Uncertain significance (2). Last evaluated 2025-03-05.

Conditions:
Hereditary cancer-predisposing syndrome. Also called: Neoplastic Syndromes, Hereditary; Tumor predisposition; Hereditary Cancer Syndrome; Hereditary neoplastic syndrome. Identifiers: Orphanet 140162, MedGen C0027672, MeSH D009386, MONDO:0015356.
Familial adenomatous polyposis 1 (FAP1). Also called: FAMILIAL ADENOMATOUS POLYPOSIS 1, ATTENUATED; POLYPOSIS, ADENOMATOUS INTESTINAL. Identifiers: MedGen C2713442, MONDO:0021056, OMIM 175100. Disease mechanism: loss of function.

Submissions (2):

Labcorp Genetics (formerly Invitae), Labcorp
Classification: Uncertain significance for Familial adenomatous polyposis 1. Last evaluated: 2025-03-05. Review status: criteria provided, single submitter. Criteria: Invitae Variant Classification Sherloc (09022015). Collection method: clinical testing. Allele origin: germline.
Comment: This sequence change replaces proline, which is neutral and non-polar, with serine, which is neutral and polar, at codon 1626 of the APC protein (p.Pro1626Ser). This variant is not present in population databases (gnomAD no frequency). This variant has not been reported in the literature in individuals affected with APC-related conditions. ClinVar contains an entry for this variant (Variation ID: 233742). Invitae Evidence Modeling of protein sequence and biophysical properties (such as structural, functional, and spatial information, amino acid conservation, physicochemical variation, residue mobility, and thermodynamic stability) indicates that this missense variant is not expected to disrupt APC protein function with a negative predictive value of 95%. In summary, the available evidence is currently insufficient to determine the role of this variant in disease. Therefore, it has been classified as a Variant of Uncertain Significance.

Ambry Genetics
Classification: Uncertain significance for Hereditary cancer-predisposing syndrome. Last evaluated: 2015-09-06. Review status: criteria provided, single submitter. Criteria: Ambry Variant Classification Scheme 2023. Collection method: clinical testing. Allele origin: germline.
Comment: The p.P1626S variant (also known as c.4876C>T), located in coding exon 15 of the APC gene, results from a C to T substitution at nucleotide position 4876. The proline at codon 1626 is replaced by serine, an amino acid with similar properties. This variant was not reported in population based cohorts in the following databases: Database of Single Nucleotide Polymorphisms (dbSNP), NHLBI Exome Sequencing Project (ESP), and 1000 Genomes Project. In the ESP, this variant was not observed in 6502 samples (13004 alleles) with coverage at this position. To date, this alteration has been detected with an allele frequency of approximately 0.003% (greater than 32000 alleles tested) in our clinical cohort. This amino acid position is not well conserved in available vertebrate species. In addition, in silico predictors for this gene do not accurately predict pathogenicity. Since supporting evidence is limited at this time, the clinical significance of p.P1626S remains unclear.

NM_000038.6(APC):c.4876C>T (p.Pro1626Ser)

Gene: APC (APC regulator of Wnt signaling pathway; plus strand). Cytogenetic location: 5q22.2.
Variant type: single nucleotide variant.
Coding change: c.4876C>T on transcript NM_000038.6 (MANE Select); coding-DNA position 4876, C replaced by T.
Protein change: p.Pro1626Ser; replaces proline 1626 with serine.
Molecular consequence: missense variant.
Genome position (GRCh38, 1-based): chr5:112,840,470, C>T. VCF-style: chr5-112840470-C-T. GRCh37 (hg19) VCF-style: chr5-112176167-C-T.
Other names: c.4876C>T, p.Pro1626Ser (NM_001127510.3, NM_001354895.2); c.4822C>T, p.Pro1608Ser (NM_001127511.3); c.4930C>T, p.Pro1644Ser (NM_001354896.2); c.4906C>T, p.Pro1636Ser (NM_001354897.2); c.4801C>T, p.Pro1601Ser (NM_001354898.2); c.4792C>T, p.Pro1598Ser (NM_001354899.2); c.4753C>T, p.Pro1585Ser (NM_001354900.2); c.4699C>T, p.Pro1567Ser (NM_001354901.2); and 5 more; short protein forms P1608S, P1626S, P1525S, P1598S, P1567S, P1343S, P1466S, P1500S.
Identifiers: ClinVar variation 233742 (VCV000233742.8), dbSNP rs876660610, ClinGen allele CA10578383.